The following is an entry in ClinVar:

NM_002185.5(IL7R):c.126C>G (p.Cys42Trp)

Gene: IL7R (interleukin 7 receptor; plus strand). Cytogenetic location: 5p13.2.
Variant type: single nucleotide variant.
Coding change: c.126C>G on transcript NM_002185.5 (MANE Select); coding-DNA position 126, C replaced by G.
Protein change: p.Cys42Trp; replaces cysteine 42 with tryptophan.
Molecular consequence: missense variant. On other transcripts: non-coding transcript variant (1).
Genome position (GRCh38, 1-based): chr5:35,860,895, C>G. VCF-style: chr5-35860895-C-G. GRCh37 (hg19) VCF-style: chr5-35860997-C-G.
Other names: short protein forms C42W.
Identifiers: ClinVar variation 1465004 (VCV001465004.6), dbSNP rs1759788196, ClinGen allele CA359426719.
Genomic context (GRCh38, chr5:35,860,895, plus strand): 5'-TGTTTGTTCCTCCCCAGGAGACTTGGAAGATGCAGAACTGGATGACTACTCATTCTCATG[C>G]TATAGCCAGTTGGAAGTGAATGGATCGCAGCACTCACTGACCTGTGCTTTTGAGGACCCA-3'
Protein context (NP_002176.2, residues 32-52): DAELDDYSFS[Cys42Trp]YSQLEVNGSQ

ClinVar aggregate classification (germline): Pathogenic (1 of 4 stars; one submission).

Conditions:
Immunodeficiency 104. Also called: Severe combined immunodeficiency, autosomal recessive, T cell-negative, B cell-positive, NK cell-positive; SCID, AUTOSOMAL RECESSIVE, T CELL-NEGATIVE, B CELL-POSITIVE, NK CELL-POSITIVE; IMMUNODEFICIENCY 104, SEVERE COMBINED; Severe Combined Immune Deficiency, Autosomal Recessive, TCell -Negative, B Cell-Positive, NK Cell-Positive, IL7R-Related. Identifiers: MedGen C5676890, MONDO:0012163, OMIM 608971.

Submission:

Labcorp Genetics (formerly Invitae), Labcorp
Classification: Pathogenic for Immunodeficiency 104. Last evaluated: 2022-10-20. Review status: criteria provided, single submitter. Criteria: Invitae Variant Classification Sherloc (09022015). Collection method: clinical testing. Allele origin: germline.
Comment: For these reasons, this variant has been classified as Pathogenic. Advanced modeling of protein sequence and biophysical properties (such as structural, functional, and spatial information, amino acid conservation, physicochemical variation, residue mobility, and thermodynamic stability) performed at Invitae indicates that this missense variant is expected to disrupt IL7R protein function. ClinVar contains an entry for this variant (Variation ID: 1465004). This missense change has been observed in individual(s) with clinical features of severe combined immunodeficiency (Invitae). This variant is not present in population databases (gnomAD no frequency). This sequence change replaces cysteine, which is neutral and slightly polar, with tryptophan, which is neutral and slightly polar, at codon 42 of the IL7R protein (p.Cys42Trp).